The following is an entry in ClinVar:

NM_001277115.2(DNAH11):c.7021T>C (p.Ser2341Pro)

Gene: DNAH11 (dynein axonemal heavy chain 11; plus strand). Cytogenetic location: 7p15.3.
Variant type: single nucleotide variant.
Coding change: c.7021T>C on transcript NM_001277115.2 (MANE Select); coding-DNA position 7021, T replaced by C.
Protein change: p.Ser2341Pro; replaces serine 2341 with proline.
Molecular consequence: missense variant.
Genome position (GRCh38, 1-based): chr7:21,717,812, T>C. VCF-style: chr7-21717812-T-C. GRCh37 (hg19) VCF-style: chr7-21757430-T-C.
Other names: short protein forms S2341P.
Identifiers: ClinVar variation 840060 (VCV000840060.9), dbSNP rs1784722405, ClinGen allele CA366943293.

ClinVar aggregate classification (germline): Uncertain significance. Review status: criteria provided, multiple submitters, no conflicts (2 of 4 stars). 2 submissions from 2 submitters: Uncertain significance (2). Last evaluated 2024-06-10.

Conditions:
Primary ciliary dyskinesia. Also called: Ciliary dyskinesia. Identifiers: Orphanet 244, MedGen C0008780, MONDO:0016575, HP:0012265.

Allele frequency attached by ClinVar (database versions not stated): gnomAD exomes below 0.00001; TOPMed below 0.00001; gnomAD 0.00001.
gnomAD v4.1: 2 of 1,613,736 alleles (0.00012%); highest among the groups gnomAD compares: Admixed American, 0.0017%; no homozygotes.

Submissions (2):

Blueprint Genetics
Classification: Uncertain significance. Last evaluated: 2024-06-10. Review status: criteria provided, single submitter. Criteria: ACMG Guidelines, 2015. Collection method: clinical testing. Allele origin: germline.

Labcorp Genetics (formerly Invitae), Labcorp
Classification: Uncertain significance for Primary ciliary dyskinesia. Last evaluated: 2023-08-04. Review status: criteria provided, single submitter. Criteria: Invitae Variant Classification Sherloc (09022015). Collection method: clinical testing. Allele origin: germline.
Comment: In summary, the available evidence is currently insufficient to determine the role of this variant in disease. Therefore, it has been classified as a Variant of Uncertain Significance. Advanced modeling of protein sequence and biophysical properties (such as structural, functional, and spatial information, amino acid conservation, physicochemical variation, residue mobility, and thermodynamic stability) performed at Invitae indicates that this missense variant is not expected to disrupt DNAH11 protein function. ClinVar contains an entry for this variant (Variation ID: 840060). This missense change has been observed in individual(s) with clinical features of DNAH11-related conditions (Invitae). This variant is not present in population databases (gnomAD no frequency). This sequence change replaces serine, which is neutral and polar, with proline, which is neutral and non-polar, at codon 2341 of the DNAH11 protein (p.Ser2341Pro).